The following is an entry in ClinVar:

NM_020778.5(ALPK3):c.935G>T (p.Ser312Ile)

Gene: ALPK3 (alpha kinase 3; plus strand). Cytogenetic location: 15q25.3.
Variant type: single nucleotide variant.
Coding change: c.935G>T on transcript NM_020778.5 (MANE Select); coding-DNA position 935, G replaced by T.
Protein change: p.Ser312Ile; replaces serine 312 with isoleucine.
Molecular consequence: missense variant.
Genome position (GRCh38, 1-based): chr15:84,840,214, G>T. VCF-style: chr15-84840214-G-T. GRCh37 (hg19) VCF-style: chr15-85383445-G-T.
Other names: short protein forms S312I.
Identifiers: ClinVar variation 4770426 (VCV004770426.1).

ClinVar aggregate classification (germline): Uncertain significance (1 of 4 stars; one submission).

Submission:

Labcorp Genetics (formerly Invitae), Labcorp
Classification: Uncertain significance. Last evaluated: 2025-10-02. Review status: criteria provided, single submitter. Criteria: Invitae Variant Classification Sherloc (09022015). Collection method: clinical testing. Allele origin: germline.
Comment: This sequence change replaces serine, which is neutral and polar, with isoleucine, which is neutral and non-polar, at codon 514 of the ALPK3 protein (p.Ser514Ile). This variant is not present in population databases (gnomAD no frequency). This variant has not been reported in the literature in individuals affected with ALPK3-related conditions. Invitae Evidence Modeling of protein sequence and biophysical properties (such as structural, functional, and spatial information, amino acid conservation, physicochemical variation, residue mobility, and thermodynamic stability) indicates that this missense variant is expected to disrupt ALPK3 protein function with a positive predictive value of 80%. In summary, the available evidence is currently insufficient to determine the role of this variant in disease. Therefore, it has been classified as a Variant of Uncertain Significance.